The following is an entry in ClinVar:

NM_001282680.3(GAPVD1):c.171G>A (p.Arg57=)

Gene: GAPVD1 (GTPase activating protein and VPS9 domains 1; plus strand). Cytogenetic location: 9q33.3.
Variant type: single nucleotide variant.
Coding change: c.171G>A on transcript NM_001282680.3 (MANE Select); coding-DNA position 171, G replaced by A.
Protein change: p.Arg57=; no amino-acid change (arginine 57 retained).
Molecular consequence: synonymous variant. On other transcripts: non-coding transcript variant (2).
Genome position (GRCh38, 1-based): chr9:125,299,092, G>A. VCF-style: chr9-125299092-G-A. GRCh37 (hg19) VCF-style: chr9-128061371-G-A.
Other names: c.171G>A, p.Arg57= (NM_001282679.2, NM_001282681.3, NM_001330777.3 and 11 more transcripts).
Identifiers: ClinVar variation 3905609 (VCV003905609.10).

ClinVar aggregate classification (germline): Likely benign (1 of 4 stars; one submission).

Submission:

CeGaT Center for Human Genetics Tuebingen
Classification: Likely benign. Last evaluated: 2025-05-01. Review status: criteria provided, single submitter. Criteria: CeGaT Center For Human Genetics Tuebingen Variant Classification Criteria Version 2. Collection method: clinical testing. Allele origin: germline. Affected: yes. Observed: 1 variant allele.
Comment: GAPVD1: PM2:Supporting, BP4, BP7